The following is an entry in ClinVar:

NM_001371333.1(DIABLO):c.269C>G (p.Ser90Cys)

Gene: DIABLO (diablo IAP-binding mitochondrial protein; minus strand). Cytogenetic location: 12q24.31.
Variant type: single nucleotide variant.
Coding change: c.269C>G on transcript NM_001371333.1 (MANE Select); coding-DNA position 269, C replaced by G.
Protein change: p.Ser90Cys; replaces serine 90 with cysteine.
Molecular consequence: missense variant. On other transcripts: intron variant (2).
Genome position (GRCh38, 1-based): chr12:122,218,312, G>C on the plus strand (C>G on the coding strand, the complement: DIABLO is on the minus strand). VCF-style: chr12-122218312-G-C. GRCh37 (hg19) VCF-style: chr12-122702859-G-C.
Other names: c.269C>G (NM_019887.4); c.50C>G, p.Ser17Cys (NM_001278303.1); c.110C>G, p.Ser37Cys (NM_001278304.2, NM_138930.3); c.269C>G, p.Ser90Cys (NM_019887.6); c.184-1443C>G (NM_001278342.1); c.25-1443C>G (NM_001278302.1); short protein forms S37C, S17C, S90C.
Identifiers: ClinVar variation 727382 (VCV000727382.13), dbSNP rs116496131, ClinGen allele CA6843970.

ClinVar aggregate classification (germline): Conflicting classifications of pathogenicity. Review status: criteria provided, conflicting classifications (1 of 4 stars). 4 submissions from 4 submitters: Uncertain significance (2); Likely benign (2). Last evaluated 2025-11-25.

Allele frequency attached by ClinVar (database versions not stated): gnomAD exomes 0.00003 and 0.00008; ESP Exome Variant Server 0.00008; ExAC 0.00012; TOPMed 0.00031; gnomAD 0.00032 and 0.00033; 1000 Genomes Project 0.00100; 1000 Genomes Project 30x 0.00125.
gnomAD v4.1: 87 of 1,614,144 alleles (0.0054%); highest among the groups gnomAD compares: African/African-American, 0.11%; no homozygotes.

Submissions (4):

Ambry Genetics
Classification: Uncertain significance. Last evaluated: 2025-11-25. Review status: criteria provided, single submitter. Criteria: Ambry Variant Classification Scheme 2023. Collection method: clinical testing. Allele origin: germline.

GeneDx
Classification: Uncertain significance. Last evaluated: 2025-11-07. Review status: criteria provided, single submitter. Criteria: GeneDx Variant Classification Process June 2021. Collection method: clinical testing. Allele origin: germline. Affected: yes.
Comment: In silico analysis supports that this missense variant has a deleterious effect on protein structure/function; Has not been previously published as pathogenic or benign to our knowledge; Variants in candidate genes are classified as variants of uncertain significance in accordance with ACMG guidelines (PMID: 25741868)

Labcorp Genetics (formerly Invitae), Labcorp
Classification: Likely benign. Last evaluated: 2025-07-04. Review status: criteria provided, single submitter. Criteria: Invitae Variant Classification Sherloc (09022015). Collection method: clinical testing. Allele origin: germline.

Blueprint Genetics
Classification: Likely benign. Last evaluated: 2022-10-05. Review status: criteria provided, single submitter. Criteria: ACMG Guidelines, 2015. Collection method: clinical testing. Allele origin: germline.